The following is an entry in ClinVar:

NM_000238.4(KCNH2):c.70G>A (p.Gly24Ser)

Gene: KCNH2 (potassium voltage-gated channel subfamily H member 2; minus strand). Cytogenetic location: 7q36.1.
Variant type: single nucleotide variant.
Coding change: c.70G>A on transcript NM_000238.4 (MANE Select); coding-DNA position 70, G replaced by A.
Protein change: p.Gly24Ser; replaces glycine 24 with serine.
Molecular consequence: missense variant. On other transcripts: non-coding transcript variant (1).
Genome position (GRCh38, 1-based): chr7:150,977,844, C>T on the plus strand (G>A on the coding strand, the complement: KCNH2 is on the minus strand). VCF-style: chr7-150977844-C-T. GRCh37 (hg19) VCF-style: chr7-150674932-C-T.
Other names: c.70G>A, p.Gly24Ser (NM_172056.3); short protein forms G24S.
Identifiers: ClinVar variation 4685246 (VCV004685246.1).

ClinVar aggregate classification (germline): Uncertain significance (1 of 4 stars; one submission).

Submission:

GeneDx
Classification: Uncertain significance. Last evaluated: 2025-07-09. Review status: criteria provided, single submitter. Criteria: GeneDx Variant Classification Process June 2021. Collection method: clinical testing. Allele origin: germline. Affected: yes.
Comment: Not observed at significant frequency in large population cohorts (gnomAD); In silico analysis supports that this missense variant has a deleterious effect on protein structure/function; Has not been previously published as pathogenic or benign to our knowledge